The following is an entry in ClinVar:

NM_000059.4(BRCA2):c.4766dup (p.Cys1591fs)

Gene: BRCA2 (BRCA2 DNA repair associated; plus strand). Cytogenetic location: 13q13.1.
Variant type: Duplication.
Coding change: c.4766dup on transcript NM_000059.4 (MANE Select); coding-DNA position 4766, one base duplicated (C; older notation c.4766dupC).
Protein change: p.Cys1591fs; shifts the reading frame from cysteine 1591.
Molecular consequence: frameshift variant. On other transcripts: non-coding transcript variant (1), intron variant (2).
Genome position (GRCh38, 1-based): chr13:32,339,121, C duplicated; the last of 4 consecutive C bases (chr13:32,339,118-32,339,121); duplicating any one gives the same sequence. VCF-style (leftmost placement, unchanged base first): chr13-32339117-G-GC. GRCh37 (hg19) VCF-style: chr13-32913254-G-GC.
Other names: c.4766dup, p.Cys1591fs (NM_001406719.1, NM_001406720.1); c.1910-5437dup (NM_001406721.1); c.425-5437dup (NM_001406722.1); short protein forms C1591fs.
Identifiers: ClinVar variation 2774916 (VCV002774916.2), dbSNP rs397507741, ClinGen allele CA2697551760.

ClinVar aggregate classification (germline): Pathogenic (1 of 4 stars; one submission).

Conditions:
Hereditary cancer-predisposing syndrome. Also called: Neoplastic Syndromes, Hereditary; Tumor predisposition; Hereditary Cancer Syndrome; Hereditary neoplastic syndrome. Identifiers: Orphanet 140162, MedGen C0027672, MeSH D009386, MONDO:0015356.

Submission:

Color Diagnostics, LLC DBA Color Health
Classification: Pathogenic for Hereditary cancer-predisposing syndrome. Last evaluated: 2021-12-21. Review status: criteria provided, single submitter. Criteria: ACMG Guidelines, 2015. Collection method: clinical testing. Allele origin: germline.
Comment: This variant inserts 1 nucleotide in exon 11 of the BRCA2 gene, creating a frameshift and premature translation stop signal. This variant is expected to result in an absent or non-functional protein product. To our knowledge, this variant has not been reported in individuals affected with hereditary cancer in the literature. This variant has not been identified in the general population by the Genome Aggregation Database (gnomAD). Loss of BRCA2 function is a known mechanism of disease. Based on the available evidence, this variant is classified as Pathogenic.